The following is an entry in ClinVar:

ClinVar aggregate classification (germline): Uncertain significance (1 of 4 stars; one submission).

Submission:

Labcorp Genetics (formerly Invitae), Labcorp
Classification: Uncertain significance. Last evaluated: 2024-07-19. Review status: criteria provided, single submitter. Criteria: Invitae Variant Classification Sherloc (09022015). Collection method: clinical testing. Allele origin: germline.
Comment: This sequence change replaces cysteine, which is neutral and slightly polar, with arginine, which is basic and polar, at codon 1511 of the LAMA1 protein (p.Cys1511Arg). This variant is not present in population databases (gnomAD no frequency). This variant has not been reported in the literature in individuals affected with LAMA1-related conditions. Advanced modeling of protein sequence and biophysical properties (such as structural, functional, and spatial information, amino acid conservation, physicochemical variation, residue mobility, and thermodynamic stability) performed at Invitae indicates that this missense variant is expected to disrupt LAMA1 protein function with a positive predictive value of 80%. In summary, the available evidence is currently insufficient to determine the role of this variant in disease. Therefore, it has been classified as a Variant of Uncertain Significance.

NM_005559.4(LAMA1):c.4531T>C (p.Cys1511Arg)

Gene: LAMA1 (laminin subunit alpha 1; minus strand). Cytogenetic location: 18p11.31.
Variant type: single nucleotide variant.
Coding change: c.4531T>C on transcript NM_005559.4 (MANE Select); coding-DNA position 4531, T replaced by C.
Protein change: p.Cys1511Arg; replaces cysteine 1511 with arginine.
Molecular consequence: missense variant.
Genome position (GRCh38, 1-based): chr18:6,999,577, A>G on the plus strand (T>C on the coding strand, the complement: LAMA1 is on the minus strand). VCF-style: chr18-6999577-A-G. GRCh37 (hg19) VCF-style: chr18-6999576-A-G.
Other names: short protein forms C1511R.
Identifiers: ClinVar variation 3659346 (VCV003659346.2).
Genomic context (GRCh38, chr18:6,999,577, plus strand): 5'-TGCAAACGCACTGCCCAGATGTGCGGTCACAGTCACCGTGGACAGAGCCGTGCGGGTTGC[A>G]GTCACACTTCTGGCAACTGCCACCTGGTGTTTGAGGGTTCCCATAATAGCTTGAGGAGCA-3'
Protein context (NP_005550.2, residues 1501-1521): TPGGSCQKCD[Cys1511Arg]NPHGSVHGDC